The following is an entry in ClinVar:

ClinVar aggregate classification (germline): Uncertain significance (1 of 4 stars; one submission).

Conditions:
Seizures, benign familial infantile, 3 (BFIS3). Also called: CONVULSIONS, BENIGN FAMILIAL INFANTILE, 3; Familial neonatal seizures. Identifiers: Orphanet 140927, Orphanet 306, MedGen C1843140, MONDO:0011904, OMIM 607745.
Developmental and epileptic encephalopathy, 11 (DEE11). Also called: Early infantile epileptic encephalopathy 11. Identifiers: Orphanet 1934, MedGen C3150987, MONDO:0013388, OMIM 613721.

Allele frequency attached by ClinVar (database versions not stated): gnomAD exomes below 0.00001.
gnomAD v4.1: 1 of 1,613,888 alleles (0.000062%); highest among the groups gnomAD compares: Non-Finnish European, 0.000085%; no homozygotes.

Submission:

Labcorp Genetics (formerly Invitae), Labcorp
Classification: Uncertain significance for Seizures, benign familial infantile, 3; Developmental and epileptic encephalopathy, 11. Last evaluated: 2022-11-02. Review status: criteria provided, single submitter. Criteria: Invitae Variant Classification Sherloc (09022015). Collection method: clinical testing. Allele origin: germline.
Comment: This variant is not present in population databases (gnomAD no frequency). This sequence change replaces alanine, which is neutral and non-polar, with valine, which is neutral and non-polar, at codon 1915 of the SCN2A protein (p.Ala1915Val). In summary, the available evidence is currently insufficient to determine the role of this variant in disease. Therefore, it has been classified as a Variant of Uncertain Significance. Advanced modeling of protein sequence and biophysical properties (such as structural, functional, and spatial information, amino acid conservation, physicochemical variation, residue mobility, and thermodynamic stability) performed at Invitae indicates that this missense variant is expected to disrupt SCN2A protein function. This variant has not been reported in the literature in individuals affected with SCN2A-related conditions.

NM_001040142.2(SCN2A):c.5744C>T (p.Ala1915Val)

Gene: SCN2A (sodium voltage-gated channel alpha subunit 2; plus strand). Cytogenetic location: 2q24.3.
Variant type: single nucleotide variant.
Coding change: c.5744C>T on transcript NM_001040142.2 (MANE Select); coding-DNA position 5744, C replaced by T.
Protein change: p.Ala1915Val; replaces alanine 1915 with valine.
Molecular consequence: missense variant.
Genome position (GRCh38, 1-based): chr2:165,389,550, C>T. VCF-style: chr2-165389550-C-T. GRCh37 (hg19) VCF-style: chr2-166246060-C-T.
Other names: c.5744C>T, p.Ala1915Val (NM_001040143.2, NM_001371246.1, NM_001371247.1 and 1 more transcripts); short protein forms A1915V.
Identifiers: ClinVar variation 2941171 (VCV002941171.3), dbSNP rs1702043475, ClinGen allele CA349040092.